The following is an entry in ClinVar:

NM_001374736.1(DST):c.258A>G (p.Ala86=)

Gene: DST (dystonin; minus strand). Cytogenetic location: 6p12.1.
Variant type: single nucleotide variant.
Coding change: c.258A>G on transcript NM_001374736.1 (MANE Select); coding-DNA position 258, A replaced by G.
Protein change: p.Ala86=; no amino-acid change (alanine 86 retained).
Molecular consequence: synonymous variant.
Genome position (GRCh38, 1-based): chr6:56,900,580, T>C on the plus strand (A>G on the coding strand, the complement: DST is on the minus strand). VCF-style: chr6-56900580-T-C. GRCh37 (hg19) VCF-style: chr6-56765378-T-C.
Other names: p.Ala86=; c.258A>G (NM_001144769.2, NM_001144769.3); c.258A>G, p.Ala86= (NM_001144769.5, NM_001374722.1); c.285A>G, p.Ala95= (NM_001374734.1).
Identifiers: ClinVar variation 1284715 (VCV001284715.40), dbSNP rs201106926, ClinGen allele CA3872020.

ClinVar aggregate classification (germline): Likely benign. Review status: criteria provided, multiple submitters, no conflicts (2 of 4 stars). 7 submissions from 7 submitters: Likely benign (3). 4 of the submissions do not count toward it. Last evaluated 2026-09-01.

Conditions:
DST-related disorder. Also called: DST-related disorders; DST-related condition.

Allele frequency attached by ClinVar (database versions not stated): 1000 Genomes Project 30x 0.00031; 1000 Genomes Project 0.00040; gnomAD 0.00113 and 0.00115; TOPMed 0.00131; gnomAD exomes 0.00146 and 0.00236; ExAC 0.00156; ESP Exome Variant Server 0.00175.
gnomAD v4.1: 3,042 of 1,367,684 alleles (0.22%); highest among the groups gnomAD compares: Non-Finnish European, 0.28%; 9 homozygotes.

Submissions (7):

CeGaT Center for Human Genetics Tuebingen
Classification: Likely benign. Last evaluated: 2026-09-01. Review status: criteria provided, single submitter. Criteria: CeGaT Center For Human Genetics Tuebingen Variant Classification Criteria Version 2. Collection method: clinical testing. Allele origin: germline. Affected: yes. Observed: 18 variant alleles.
Comment: DST: BP4, BP7

Mayo Clinic Laboratories, Mayo Clinic
Classification: Likely benign. Last evaluated: 2025-09-16. Review status: criteria provided, single submitter. Criteria: ACMG Guidelines, 2015. Collection method: clinical testing. Allele origin: germline. Observed: 3 variant alleles.
Comment: BS1, BP4, BP7

Blueprint Genetics
Classification: Likely benign. Last evaluated: 2024-11-15. Review status: criteria provided, single submitter. Criteria: ACMG Guidelines, 2015. Collection method: clinical testing. Allele origin: germline.

PreventionGenetics, part of Exact Sciences
Classification: Likely benign for DST-related condition. Last evaluated: 2019-03-15. Review status: no assertion criteria provided. Collection method: clinical testing. Allele origin: germline. Not counted in ClinVar's aggregate classification.
Comment: This variant is classified as likely benign based on ACMG/AMP sequence variant interpretation guidelines (Richards et al. 2015 PMID: 25741868, with internal and published modifications).

Clinical Genetics DNA and cytogenetics Diagnostics Lab, Erasmus MC, Erasmus Medical Center
Classification: Likely benign. Review status: no assertion criteria provided. Collection method: clinical testing. Allele origin: germline. Affected: yes. Study: VKGL Data-share Consensus. Not counted in ClinVar's aggregate classification.

Clinical Genetics, Academic Medical Center
Classification: Likely benign. Review status: no assertion criteria provided. Collection method: clinical testing. Allele origin: germline. Affected: yes. Study: VKGL Data-share Consensus. Not counted in ClinVar's aggregate classification.

Genome Diagnostics Laboratory, University Medical Center Utrecht
Classification: Likely benign. Review status: no assertion criteria provided. Collection method: clinical testing. Allele origin: germline. Affected: yes. Study: VKGL Data-share Consensus. Not counted in ClinVar's aggregate classification.